The following is an entry in ClinVar:

ClinVar aggregate classification (germline): Uncertain significance. Review status: criteria provided, multiple submitters, no conflicts (2 of 4 stars). 2 submissions from 2 submitters: Uncertain significance (2). Last evaluated 2024-07-22.

Conditions:
MAGEL2-related disorder. Also called: MAGEL2-related condition.

Submissions (2):

Labcorp Genetics (formerly Invitae), Labcorp
Classification: Uncertain significance. Last evaluated: 2024-07-22. Review status: criteria provided, single submitter. Criteria: Invitae Variant Classification Sherloc (09022015). Collection method: clinical testing. Allele origin: germline.
Comment: This sequence change replaces alanine, which is neutral and non-polar, with valine, which is neutral and non-polar, at codon 1026 of the MAGEL2 protein (p.Ala1026Val). This variant is present in population databases (rs370022000, gnomAD 0.01%). This variant has not been reported in the literature in individuals affected with MAGEL2-related conditions. ClinVar contains an entry for this variant (Variation ID: 2633106). Advanced modeling of protein sequence and biophysical properties (such as structural, functional, and spatial information, amino acid conservation, physicochemical variation, residue mobility, and thermodynamic stability) has been performed at Invitae for this missense variant, however the output from this modeling did not meet the statistical confidence thresholds required to predict the impact of this variant on MAGEL2 protein function. In summary, the available evidence is currently insufficient to determine the role of this variant in disease. Therefore, it has been classified as a Variant of Uncertain Significance.

PreventionGenetics, part of Exact Sciences
Classification: Uncertain significance for MAGEL2-related condition. Last evaluated: 2023-01-04. Review status: criteria provided, single submitter. Criteria: ACMG Guidelines, 2015. Collection method: clinical testing. Allele origin: germline.
Comment: The MAGEL2 c.3077C>T variant is predicted to result in the amino acid substitution p.Ala1026Val. To our knowledge, this variant has not been reported in the literature. This variant is reported in 0.013% of alleles in individuals of African descent in gnomAD. At this time, the clinical significance of this variant is uncertain due to the absence of conclusive functional and genetic evidence.

NM_019066.5(MAGEL2):c.3077C>T (p.Ala1026Val)

Gene: MAGEL2 (MAGE family member L2; minus strand). Cytogenetic location: 15q11.2.
Variant type: single nucleotide variant.
Coding change: c.3077C>T on transcript NM_019066.5 (MANE Select); coding-DNA position 3077, C replaced by T.
Protein change: p.Ala1026Val; replaces alanine 1026 with valine.
Molecular consequence: missense variant.
Genome position (GRCh38, 1-based): chr15:23,644,666, G>A on the plus strand (C>T on the coding strand, the complement: MAGEL2 is on the minus strand). VCF-style: chr15-23644666-G-A. GRCh37 (hg19) VCF-style: chr15-23889813-G-A.
Other names: short protein forms A1026V.
Identifiers: ClinVar variation 2633106 (VCV002633106.2), dbSNP rs370022000, ClinGen allele CA7429756.
Genomic context (GRCh38, chr15:23,644,666, plus strand): 5'-ATCTCCGAGCGCTGGACAGGCACCTTGGCTTGGTCCTTGACTAAGAGGAACTGCACCAAC[G>A]CATTTGCCCTCTCATCCAAGGGAGACAAGGGCTGTGCCTCCACCTTGGAATTATCCTGGG-3'
Protein context (NP_061939.3, residues 1016-1036): PLSPLDERAN[Ala1026Val]LVQFLLVKDQ